The following is an entry in ClinVar:

ClinVar aggregate classification (germline): Pathogenic (1 of 4 stars; one submission).

Submission:

Labcorp Genetics (formerly Invitae), Labcorp
Classification: Pathogenic. Last evaluated: 2022-07-20. Review status: criteria provided, single submitter. Criteria: Invitae Variant Classification Sherloc (09022015). Collection method: clinical testing. Allele origin: germline.
Comment: This sequence change creates a premature translational stop signal (p.Gln70Aspfs*53) in the TYMP gene. It is expected to result in an absent or disrupted protein product. Loss-of-function variants in TYMP are known to be pathogenic (PMID: 9924029, 15781193). This variant is not present in population databases (gnomAD no frequency). This variant has not been reported in the literature in individuals affected with TYMP-related conditions. For these reasons, this variant has been classified as Pathogenic.

Literature cited by the submitters: PubMed 9924029; PubMed 15781193.

NM_001953.5(TYMP):c.208_209del (p.Gln70fs)

Gene: TYMP (thymidine phosphorylase; minus strand). Cytogenetic location: 22q13.33.
Variant type: Microsatellite.
Coding change: c.208_209del on transcript NM_001953.5 (MANE Select); coding-DNA positions 208 to 209, 2 bases deleted (CA; older notation c.208_209delCA).
Protein change: p.Gln70fs; shifts the reading frame from glutamine 70.
Molecular consequence: frameshift variant.
Genome position (GRCh38, 1-based): chr22:50,529,501-50,529,502, TG deleted on the plus strand (CA on the coding strand, the reverse complement: TYMP is on the minus strand); deleting any 2 consecutive bases within chr22:50,529,501-50,529,504 gives the same sequence; the c. name uses the placement nearest the transcript's 3' end. VCF-style (leftmost placement, unchanged base first): chr22-50529500-CTG-C. GRCh37 (hg19) VCF-style: chr22-50967929-CTG-C.
Other names: c.208_209del, p.Gln70fs (NM_001113755.3, NM_001113756.3, NM_001257988.1 and 1 more transcripts); short protein forms Q70fs.
Identifiers: ClinVar variation 2123515 (VCV002123515.4), dbSNP rs2522550176, ClinGen allele CA2580615338.